The following is an entry in ClinVar:

NM_033026.6(PCLO):c.10943C>G (p.Pro3648Arg)

Gene: PCLO (piccolo presynaptic cytomatrix protein; minus strand). Cytogenetic location: 7q21.11.
Variant type: single nucleotide variant.
Coding change: c.10943C>G on transcript NM_033026.6 (MANE Select); coding-DNA position 10943, C replaced by G.
Protein change: p.Pro3648Arg; replaces proline 3648 with arginine.
Molecular consequence: missense variant.
Genome position (GRCh38, 1-based): chr7:82,949,645, G>C on the plus strand (C>G on the coding strand, the complement: PCLO is on the minus strand). VCF-style: chr7-82949645-G-C. GRCh37 (hg19) VCF-style: chr7-82578961-G-C.
Other names: c.10943C>G, p.Pro3648Arg (NM_014510.3); short protein forms P3648R.
Identifiers: ClinVar variation 1471325 (VCV001471325.6), dbSNP rs1413347023, ClinGen allele CA367901103.
Genomic context (GRCh38, chr7:82,949,645, plus strand): 5'-CTTGCTGGGGGAACTTTAGCCATATCTGGATGCAGTACTTTCTGTGGACTTATATCATCA[G>C]GGAGGGGTTTTTCATAAGGTACAAAGGCTGATTCTAAGGCTTTGCCTGGTGAAAGTGGTG-3'
Protein context (NP_149015.2, residues 3638-3658): SAFVPYEKPL[Pro3648Arg]DDISPQKVLH

ClinVar aggregate classification (germline): Uncertain significance (1 of 4 stars; one submission).

gnomAD v4.1: 1 of 1,613,832 alleles (0.000062%); highest among the groups gnomAD compares: South Asian, 0.0011%; no homozygotes.

Submission:

Labcorp Genetics (formerly Invitae), Labcorp
Classification: Uncertain significance. Last evaluated: 2021-11-21. Review status: criteria provided, single submitter. Criteria: Invitae Variant Classification Sherloc (09022015). Collection method: clinical testing. Allele origin: germline.
Comment: In summary, the available evidence is currently insufficient to determine the role of this variant in disease. Therefore, it has been classified as a Variant of Uncertain Significance. Algorithms developed to predict the effect of missense changes on protein structure and function are either unavailable or do not agree on the potential impact of this missense change (SIFT: "Tolerated"; PolyPhen-2: "Not Available"; Align-GVGD: "Class C0"). This variant has not been reported in the literature in individuals affected with PCLO-related conditions. This variant is not present in population databases (gnomAD no frequency). This sequence change replaces proline, which is neutral and non-polar, with arginine, which is basic and polar, at codon 3648 of the PCLO protein (p.Pro3648Arg).